The following is an entry in ClinVar:

ClinVar aggregate classification (germline): Likely benign (1 of 4 stars; one submission).

Allele frequency attached by ClinVar (database versions not stated): gnomAD exomes below 0.00001; TOPMed below 0.00001.
gnomAD v4.1: 4 of 1,613,928 alleles (0.00025%); highest among the groups gnomAD compares: Non-Finnish European, 0.00034%; no homozygotes.

Submission:

CeGaT Center for Human Genetics Tuebingen
Classification: Likely benign. Last evaluated: 2023-02-01. Review status: criteria provided, single submitter. Criteria: CeGaT Center For Human Genetics Tuebingen Variant Classification Criteria Version 2. Collection method: clinical testing. Allele origin: germline. Affected: yes. Observed: 1 variant allele.
Comment: CEP350: PM2:Supporting, BP4, BP7

NM_014810.5(CEP350):c.3825A>G (p.Ser1275=)

Gene: CEP350 (centrosomal protein 350; plus strand). Cytogenetic location: 1q25.2.
Variant type: single nucleotide variant.
Coding change: c.3825A>G on transcript NM_014810.5 (MANE Select); coding-DNA position 3825, A replaced by G.
Protein change: p.Ser1275=; no amino-acid change (serine 1275 retained).
Molecular consequence: synonymous variant.
Genome position (GRCh38, 1-based): chr1:180,033,961, A>G. VCF-style: chr1-180033961-A-G. GRCh37 (hg19) VCF-style: chr1-180003096-A-G.
Identifiers: ClinVar variation 2639595 (VCV002639595.24), dbSNP rs1656185038, ClinGen allele CA422044204.